The following is an entry in ClinVar:

ClinVar aggregate classification (germline): Likely pathogenic (1 of 4 stars; one submission).

Conditions:
Endometrial carcinoma. Also called: Endometrial carcinoma, somatic. Identifiers: MedGen C0476089, MONDO:0002447, OMIM 608089, HP:0012114.
Lynch syndrome 5 (LYNCH5). Also called: Colorectal cancer, hereditary nonpolyposis, type 5; Hereditary non-polyposis colorectal cancer, type 5. Identifiers: Orphanet 144, MedGen C1833477, MONDO:0013710, OMIM 614350. Disease mechanism: loss of function.

Submission:

Human Genetics Bochum, Ruhr University Bochum
Classification: Likely pathogenic for Lynch syndrome 5; Endometrial carcinoma. Last evaluated: 2025-01-24. Review status: criteria provided, single submitter. Criteria: ACMG Guidelines, 2015. Collection method: clinical testing. Allele origin: germline. Affected: yes.
Comment: ACMG criteria used to clasify this variant: PVS1, PM2_SUP

NM_000179.3(MSH6):c.1901_1902insCT (p.Leu634fs)

Gene: MSH6 (mutS homolog 6; plus strand). Cytogenetic location: 2p16.3.
Variant type: Insertion.
Coding change: c.1901_1902insCT on transcript NM_000179.3 (MANE Select); coding-DNA positions 1901 to 1902, CT inserted.
Protein change: p.Leu634fs; shifts the reading frame from leucine 634.
Molecular consequence: frameshift variant. On other transcripts: non-coding transcript variant (5), intron variant (2).
Genome position: GRCh38 VCF-style: chr2-47799883-T-TTC. GRCh37 (hg19) VCF-style: chr2-48027022-T-TTC.
Other names: c.1511_1512insCT, p.Leu504fs (NM_001281492.2); c.995_996insCT, p.Leu332fs (NM_001281493.2, NM_001281494.2, NM_001406811.1 and 6 more transcripts); c.1997_1998insCT, p.Leu666fs (NM_001406795.1, NM_001406802.1); c.1901_1902insCT, p.Leu634fs (NM_001406796.1, NM_001406798.1, NM_001406800.1 and 3 more transcripts); c.1604_1605insCT, p.Leu535fs (NM_001406797.1, NM_001406801.1, NM_001406805.1 and 10 more transcripts); c.1376_1377insCT, p.Leu459fs (NM_001406799.1, NM_001406806.1, NM_001406807.1); c.1823_1824insCT, p.Leu608fs (NM_001406804.1); c.1907_1908insCT, p.Leu636fs (NM_001406813.1); and 3 more; short protein forms L332fs, L459fs, L504fs, L535fs, L578fs, L608fs, L634fs, L636fs.
Identifiers: ClinVar variation 4688023 (VCV004688023.1).
Genomic context (GRCh38, chr2:47,799,883, plus strand): 5'-TCCTGTTCTCTTCAGGAAGGTCTGATACCCGGCTCCCAGTTTTGGGATGCATCCAAAACT[T>TTC]TGAGAACTCTCCTTGAGGAAGAATATTTTAGGGAAAAGCTAAGTGATGGCATTGGGGTGA-3'